The following is an entry in ClinVar:

ClinVar aggregate classification (germline): Uncertain significance (1 of 4 stars; one submission).

Conditions:
Hyperekplexia 2 (HKPX2). Identifiers: Orphanet 3197, MedGen C3553291, MONDO:0013828, OMIM 614619.

Submission:

Labcorp Genetics (formerly Invitae), Labcorp
Classification: Uncertain significance for Hyperekplexia 2. Last evaluated: 2021-02-01. Review status: criteria provided, single submitter. Criteria: Invitae Variant Classification Sherloc (09022015). Collection method: clinical testing. Allele origin: germline.
Comment: In summary, the available evidence is currently insufficient to determine the role of this variant in disease. Therefore, it has been classified as a Variant of Uncertain Significance. Algorithms developed to predict the effect of missense changes on protein structure and function (SIFT, PolyPhen-2, Align-GVGD) all suggest that this variant is likely to be disruptive, but these predictions have not been confirmed by published functional studies and their clinical significance is uncertain. This variant has not been reported in the literature in individuals with GLRB-related conditions. This variant is not present in population databases (ExAC no frequency). This sequence change replaces isoleucine with arginine at codon 71 of the GLRB protein (p.Ile71Arg). The isoleucine residue is highly conserved and there is a moderate physicochemical difference between isoleucine and arginine.

NM_000824.5(GLRB):c.212T>G (p.Ile71Arg)

Gene: GLRB (glycine receptor beta; plus strand). Cytogenetic location: 4q32.1.
Variant type: single nucleotide variant.
Coding change: c.212T>G on transcript NM_000824.5 (MANE Select); coding-DNA position 212, T replaced by G.
Protein change: p.Ile71Arg; replaces isoleucine 71 with arginine.
Molecular consequence: missense variant.
Genome position (GRCh38, 1-based): chr4:157,120,645, T>G. VCF-style: chr4-157120645-T-G. GRCh37 (hg19) VCF-style: chr4-158041797-T-G.
Other names: c.212T>G, p.Ile71Arg (NM_001166060.2, NM_001166061.2); short protein forms I71R.
Identifiers: ClinVar variation 1506599 (VCV001506599.8), dbSNP rs2126530646, ClinGen allele CA358641787.
Genomic context (GRCh38, chr4:157,120,645, plus strand): 5'-TACCTGCCAACTCCACTAGCAATATCTTGAACAGGTTATTGGTCAGTTATGATCCCAGGA[T>G]AAGACCAAACTTCAAAGGTTTGTCTCCCCCATATAAATGTTCATTTTTATTGTTTAAAAA-3'
Protein context (NP_000815.1, residues 61-81): NRLLVSYDPR[Ile71Arg]RPNFKGIPVD